The following is an entry in ClinVar:

NC_000004.11:g.(?_80828583)_(81124686_?)del

Genes: ANTXR2 (ANTXR cell adhesion molecule 2; minus strand), PRDM8 (PR/SET domain 8; plus strand). Cytogenetic location: 4q21.21.
Variant type: Deletion.
Identifiers: ClinVar variation 1347224 (VCV001347224.4).

ClinVar aggregate classification (germline): Uncertain significance (1 of 4 stars; one submission).

Conditions:
Early-onset Lafora body disease. Also called: Epilepsy, progressive myoclonic, 10. Identifiers: Orphanet 324290, MedGen C4225258, MONDO:0014717, OMIM 616640.

Submission:

Labcorp Genetics (formerly Invitae), Labcorp
Classification: Uncertain significance for Early-onset Lafora body disease. Last evaluated: 2022-03-29. Review status: criteria provided, single submitter. Criteria: Invitae Variant Classification Sherloc (09022015). Collection method: clinical testing. Allele origin: germline.
Comment: A gross deletion of the genomic region encompassing the full coding sequence of the PRDM8 gene has been identified. The current clinical and genetic evidence is not sufficient to establish whether loss-of-function variants in PRDM8 cause disease. The boundaries of this event are unknown as they extend beyond the assayed region for this gene and therefore may encompass additional genes. This variant has not been reported in the literature in individuals affected with PRDM8-related conditions. In summary, the available evidence is currently insufficient to determine the role of this variant in disease. Therefore, it has been classified as a Variant of Uncertain Significance.